The following is an entry in ClinVar:

NM_173354.5(SIK1):c.913G>C (p.Asp305His)

Gene: SIK1 (salt inducible kinase 1; minus strand). Cytogenetic location: 21q22.3.
Variant type: single nucleotide variant.
Coding change: c.913G>C on transcript NM_173354.5 (MANE Select); coding-DNA position 913, G replaced by C.
Protein change: p.Asp305His; replaces aspartic acid 305 with histidine.
Molecular consequence: missense variant.
Genome position (GRCh38, 1-based): chr21:43,420,293, C>G on the plus strand (G>C on the coding strand, the complement: SIK1 is on the minus strand). VCF-style: chr21-43420293-C-G. GRCh37 (hg19) VCF-style: chr21-44840173-C-G.
Other names: short protein forms D305H.
Identifiers: ClinVar variation 1422147 (VCV001422147.8), dbSNP rs144214218, ClinGen allele CA321326742.

ClinVar aggregate classification (germline): Uncertain significance (1 of 4 stars; one submission).

Conditions:
Developmental and epileptic encephalopathy, 30 (DEE30). Also called: Epileptic encephalopathy, early infantile, 30. Identifiers: MedGen C4225360, MONDO:0014595, OMIM 616341.

Allele frequency attached by ClinVar (database versions not stated): ESP Exome Variant Server 0.00008.

Submission:

Labcorp Genetics (formerly Invitae), Labcorp
Classification: Uncertain significance for Developmental and epileptic encephalopathy, 30. Last evaluated: 2024-12-30. Review status: criteria provided, single submitter. Criteria: Invitae Variant Classification Sherloc (09022015). Collection method: clinical testing. Allele origin: germline.
Comment: This sequence change replaces aspartic acid, which is acidic and polar, with histidine, which is basic and polar, at codon 305 of the SIK1 protein (p.Asp305His). This variant is present in population databases (rs144214218, gnomAD 0.002%). This variant has not been reported in the literature in individuals affected with SIK1-related conditions. ClinVar contains an entry for this variant (Variation ID: 1422147). An algorithm developed to predict the effect of missense changes on protein structure and function (PolyPhen-2) suggests that this variant is likely to be disruptive. In summary, the available evidence is currently insufficient to determine the role of this variant in disease. Therefore, it has been classified as a Variant of Uncertain Significance.